The following is an entry in ClinVar:

ClinVar aggregate classification (germline): Uncertain significance (1 of 4 stars; one submission).

Conditions:
Seizures, benign familial infantile, 2 (BFIS2). Also called: CONVULSIONS, BENIGN FAMILIAL INFANTILE, 2. Identifiers: Orphanet 306, MedGen C1853995, MONDO:0011593, OMIM 605751.

Allele frequency attached by ClinVar (database versions not stated): gnomAD exomes below 0.00001; TOPMed below 0.00001; gnomAD 0.00001.

Submission:

Foundation for Research in Genetics and Endocrinology, FRIGE's Institute of Human Genetics
Classification: Uncertain significance for Seizures, benign familial infantile, 2. Last evaluated: 2020-04-23. Review status: criteria provided, single submitter. Criteria: ACMG Guidelines, 2015. Collection method: clinical testing. Allele origin: germline. Inheritance: Autosomal dominant inheritance. Affected: yes. Observed: 1 heterozygote.
Comment: A heterozygous missense variation in exon 2 of the PRRT2 gene that results in the amino acid substitution of Threonine for Methionine at codon 280 was detected. The observed variant c.839T>C (p.Met280Thr) has not been reported in the 1000 genomes and ExAC databases. The in silico prediction of the variant is damaging by SIFT. The reference codon is conserved across mammals. In summary, the variant meets our criteria to be classed as a variant of uncertain significance.

NM_145239.3(PRRT2):c.839T>C (p.Met280Thr)

Genes: MVP-DT (MVP divergent transcript; minus strand), PRRT2 (proline rich transmembrane protein 2; plus strand). Cytogenetic location: 16p11.2.
Variant type: single nucleotide variant.
Coding change: c.839T>C on transcript NM_145239.3 (MANE Select); coding-DNA position 839, T replaced by C.
Protein change: p.Met280Thr; replaces methionine 280 with threonine.
Molecular consequence: missense variant.
Genome position (GRCh38, 1-based): chr16:29,813,893, T>C. VCF-style: chr16-29813893-T-C. GRCh37 (hg19) VCF-style: chr16-29825214-T-C.
Other names: c.839T>C, p.Met280Thr (NM_001256442.2, NM_001256443.2); short protein forms M280T.
Identifiers: ClinVar variation 953068 (VCV000953068.3), dbSNP rs1419914220, ClinGen allele CA395480053.
Genomic context (GRCh38, chr16:29,813,893, plus strand): 5'-AAGGCACCCAGAAACCTCGGGACTACATCATCCTTGCCATCCTGTCCTGCTTCTGCCCCA[T>C]GTGGCCTGTCAACATCGTGGCCTTCGCTTATGCTGTCATGGTGAGCCCCATGGGACCCTA-3'
Protein context (NP_660282.2, residues 270-290): ILAILSCFCP[Met280Thr]WPVNIVAFAY